The following is an entry in ClinVar:

ClinVar aggregate classification (germline): Pathogenic (1 of 4 stars; one submission).

Submission:

Labcorp Genetics (formerly Invitae), Labcorp
Classification: Pathogenic. Last evaluated: 2021-06-29. Review status: criteria provided, single submitter. Criteria: Invitae Variant Classification Sherloc (09022015). Collection method: clinical testing. Allele origin: germline.
Comment: For these reasons, this variant has been classified as Pathogenic. This variant has not been reported in the literature in individuals affected with USH1C-related conditions. This variant is not present in population databases (ExAC no frequency). This sequence change creates a premature translational stop signal (p.Ala415Profs*51) in the USH1C gene. It is expected to result in an absent or disrupted protein product. Loss-of-function variants in USH1C are known to be pathogenic (PMID: 10973247, 17407589, 20301442, 21203349).

Literature cited by the submitters: PubMed 10973247; PubMed 17407589; PubMed 20301442; PubMed 21203349.

NM_005709.4(USH1C):c.1241_1242dup (p.Ala415fs)

Gene: USH1C (USH1 protein network component harmonin; minus strand). Cytogenetic location: 11p15.1.
Variant type: Duplication.
Coding change: c.1241_1242dup on transcript NM_005709.4 (MANE Plus Clinical); coding-DNA positions 1241 to 1242, 2 bases duplicated (CC; older notation c.1241_1242dupCC).
Protein change: p.Ala415fs; shifts the reading frame from alanine 415.
Molecular consequence: frameshift variant. On other transcripts: intron variant (1).
Genome position (GRCh38, 1-based): chr11:17,517,443-17,517,444, GG duplicated on the plus strand (CC on the coding strand, the reverse complement: USH1C is on the minus strand); duplicating any 2 consecutive bases within chr11:17,517,443-17,517,445 gives the same sequence; the c. name uses the placement nearest the transcript's 3' end. VCF-style (leftmost placement, unchanged base first): chr11-17517442-C-CGG. GRCh37 (hg19) VCF-style: chr11-17538989-C-CGG.
Other names: c.1184_1185dup, p.Ala396fs (NM_001297764.2); c.1211-1154_1211-1153dup (NM_153676.4); short protein forms A415fs, A396fs.
Identifiers: ClinVar variation 1441997 (VCV001441997.6), dbSNP rs2133853125, ClinGen allele CA2573146162.